The following is an entry in ClinVar:

NM_017849.4(TMEM127):c.577G>A (p.Ala193Thr)

Gene: TMEM127 (transmembrane protein 127; minus strand). Cytogenetic location: 2q11.2.
Variant type: single nucleotide variant.
Coding change: c.577G>A on transcript NM_017849.4 (MANE Select); coding-DNA position 577, G replaced by A.
Protein change: p.Ala193Thr; replaces alanine 193 with threonine.
Molecular consequence: missense variant.
Genome position (GRCh38, 1-based): chr2:96,253,948, C>T on the plus strand (G>A on the coding strand, the complement: TMEM127 is on the minus strand). VCF-style: chr2-96253948-C-T. GRCh37 (hg19) VCF-style: chr2-96919686-C-T.
Other names: c.577G>A, p.Ala193Thr (NM_001193304.3); c.325G>A, p.Ala109Thr (NM_001407282.1, NM_001407283.1); short protein forms A193T, A109T.
Identifiers: ClinVar variation 2146210 (VCV002146210.4), dbSNP rs1219929862, ClinGen allele CA347652262.

ClinVar aggregate classification (germline): Uncertain significance (1 of 4 stars; one submission).

Conditions:
Hereditary pheochromocytoma and paraganglioma. Also called: Hereditary paragangliomas and pheochromocytomas; Hereditary Paraganglioma-Pheochromocytoma Syndromes; Hereditary pheochromocytoma-paraganglioma. Identifiers: Orphanet 29072, MedGen C4274332, MONDO:0017366.

Allele frequency attached by ClinVar (database versions not stated): gnomAD exomes below 0.00001; TOPMed 0.00001; gnomAD 0.00003.
gnomAD v4.1: 6 of 1,614,030 alleles (0.00037%); highest among the groups gnomAD compares: Admixed American, 0.01%; no homozygotes.

Submission:

Labcorp Genetics (formerly Invitae), Labcorp
Classification: Uncertain significance for Hereditary pheochromocytoma and paraganglioma. Last evaluated: 2022-12-07. Review status: criteria provided, single submitter. Criteria: Invitae Variant Classification Sherloc (09022015). Collection method: clinical testing. Allele origin: germline.
Comment: This variant is present in population databases (no rsID available, gnomAD 0.003%). In summary, the available evidence is currently insufficient to determine the role of this variant in disease. Therefore, it has been classified as a Variant of Uncertain Significance. Algorithms developed to predict the effect of missense changes on protein structure and function (SIFT, PolyPhen-2, Align-GVGD) all suggest that this variant is likely to be disruptive. This variant has not been reported in the literature in individuals affected with TMEM127-related conditions. This sequence change replaces alanine, which is neutral and non-polar, with threonine, which is neutral and polar, at codon 193 of the TMEM127 protein (p.Ala193Thr).